The following is an entry in ClinVar:

NM_021975.4(RELA):c.262C>T (p.His88Tyr)

Gene: RELA (RELA proto-oncogene, NF-kB subunit; minus strand). Cytogenetic location: 11q13.1.
Variant type: single nucleotide variant.
Coding change: c.262C>T on transcript NM_021975.4 (MANE Select); coding-DNA position 262, C replaced by T.
Protein change: p.His88Tyr; replaces histidine 88 with tyrosine.
Molecular consequence: missense variant. On other transcripts: 5 prime UTR variant (1).
Genome position (GRCh38, 1-based): chr11:65,661,760, G>A on the plus strand (C>T on the coding strand, the complement: RELA is on the minus strand). VCF-style: chr11-65661760-G-A. GRCh37 (hg19) VCF-style: chr11-65429231-G-A.
Other names: c.262C>T, p.His88Tyr (NM_001145138.2, NM_001243984.2, NM_001243985.2 and 2 more transcripts); c.295C>T, p.His99Tyr (NM_001404657.1); c.235C>T, p.His79Tyr (NM_001404658.1); c.-28C>T (NM_001404661.1); c.169C>T, p.His57Tyr (NM_001404662.1, NM_001404663.1); short protein forms H57Y, H79Y, H99Y, H88Y.
Identifiers: ClinVar variation 3721599 (VCV003721599.2).

ClinVar aggregate classification (germline): Uncertain significance (1 of 4 stars; one submission).

Submission:

Labcorp Genetics (formerly Invitae), Labcorp
Classification: Uncertain significance. Last evaluated: 2024-10-18. Review status: criteria provided, single submitter. Criteria: Invitae Variant Classification Sherloc (09022015). Collection method: clinical testing. Allele origin: germline.
Comment: This sequence change replaces histidine, which is basic and polar, with tyrosine, which is neutral and polar, at codon 88 of the RELA protein (p.His88Tyr). This variant is not present in population databases (gnomAD no frequency). This variant has not been reported in the literature in individuals affected with RELA-related conditions. An algorithm developed to predict the effect of missense changes on protein structure and function (PolyPhen-2) suggests that this variant is likely to be disruptive. In summary, the available evidence is currently insufficient to determine the role of this variant in disease. Therefore, it has been classified as a Variant of Uncertain Significance.